The following is an entry in ClinVar:

ClinVar aggregate classification (germline): Likely pathogenic (1 of 4 stars; one submission).

Conditions:
Alstrom syndrome (ALMS). Identifiers: Orphanet 64, MedGen C0268425, MONDO:0008763, OMIM 203800.

Submission:

Natera, Inc.
Classification: Likely pathogenic for Alstrom syndrome. Last evaluated: 2025-02-08. Review status: criteria provided, single submitter. Criteria: Natera Variant Classification Schema (03/2026). Collection method: clinical testing. Allele origin: germline.
Comment: The c.11180delinsAA variant in ALMS1 is a frameshift variant predicted to shift the reading frame beginning at codon 3727 and leads to a stop codon 3 codons downstream. This variant is expected to result in nonsense mediated decay, truncation, or a dysfunctional protein product. This variant is rare in the general population with a frequency below the threshold expected for the associated phenotype(s). Given the available evidence, this variant is classified as Likely Pathogenic.

NM_001378454.1(ALMS1):c.11177delinsAA (p.Gly3726fs)

Gene: ALMS1 (ALMS1 centrosome and basal body associated protein; plus strand). Cytogenetic location: 2p13.1.
Variant type: Indel.
Coding change: c.11177delinsAA on transcript NM_001378454.1 (MANE Select); coding-DNA position 11177, G replaced by AA.
Protein change: p.Gly3726fs; shifts the reading frame from glycine 3726.
Molecular consequence: frameshift variant.
Genome position (GRCh38, 1-based): chr2:73,573,054, G replaced by AA. VCF-style: chr2-73573054-G-AA. GRCh37 (hg19) VCF-style: chr2-73800181-G-AA.
Other names: c.11180delinsAA, p.Gly3727fs (NM_015120.4); short protein forms G3726fs, G3727fs.
Identifiers: ClinVar variation 4815758 (VCV004815758.1).
Genomic context (GRCh38, chr2:73,573,054, plus strand): 5'-CTAATCAAATTAAAATTGAACAGATTAAATTTGATAAATATATTCTGAGTAAACAGCCAG[G>AA]TTTTAATTATATAAGCAACACTTCTTCGGATTGTCGGCCCTCAGAGGAGAGTGAGCTGCT-3'